The following is an entry in ClinVar:

NM_001083962.2(TCF4):c.*1201C>T

Gene: TCF4 (transcription factor 4; minus strand). Cytogenetic location: 18q21.2.
Variant type: single nucleotide variant.
Coding change: c.*1201C>T on transcript NM_001083962.2 (MANE Select); 1201 bases downstream of the stop codon, C replaced by T.
Molecular consequence: 3 prime UTR variant.
Genome position (GRCh38, 1-based): chr18:55,226,834, G>A on the plus strand (C>T on the coding strand, the complement: TCF4 is on the minus strand). VCF-style: chr18-55226834-G-A. GRCh37 (hg19) VCF-style: chr18-52894065-G-A.
Other names: c.*1201C>T (NM_001243226.3, NM_001243227.2, NM_001243228.2 and 42 more transcripts).
Identifiers: ClinVar variation 327288 (VCV000327288.5), dbSNP rs541953475, ClinGen allele CA10647859.
Genomic context (GRCh38, chr18:55,226,834, plus strand): 5'-ACTTTACTTGTTTTTTTTGTTTTTGTTTTTTTCCAAAAATCTGACCATGTATTCAGAAAC[G>A]CCTCACTGCACACTACTTCGGCTACACAGGTAGGTAACACTTTAATCATTTTGTTAAATC-3'

ClinVar aggregate classification (germline): Likely benign (1 of 4 stars; one submission).

Conditions:
Pitt-Hopkins syndrome (PTHS). Also called: ENCEPHALOPATHY, SEVERE EPILEPTIC, WITH AUTONOMIC DYSFUNCTION; MENTAL RETARDATION, SYNDROMAL, WITH INTERMITTENT HYPERVENTILATION. Identifiers: Orphanet 2896, MedGen C1970431, MONDO:0012589, OMIM 610954.

Allele frequency attached by ClinVar (database versions not stated): gnomAD 0.00002 and 0.00003; TOPMed 0.00002; 1000 Genomes Project 30x 0.00031; 1000 Genomes Project 0.00040.

Submission:

Illumina Laboratory Services, Illumina
Classification: Likely benign for Pitt-Hopkins syndrome. Last evaluated: 2017-04-27. Review status: criteria provided, single submitter. Criteria: ICSL Variant Classification Criteria 13 December 2019. Collection method: clinical testing. Allele origin: germline.
Comment: This variant was observed as part of a predisposition screen in an ostensibly healthy population. A literature search was performed for the gene, cDNA change, and amino acid change (where applicable). No publications were found based on this search. Allele frequency data from public databases allowed determination this variant is unlikely to cause disease. Therefore, this variant is classified as likely benign.